The following is an entry in ClinVar:

ClinVar aggregate classification (germline): Likely benign. Review status: criteria provided, multiple submitters, no conflicts (2 of 4 stars). 5 submissions from 5 submitters: Likely benign (5). Last evaluated 2026-09-01.

Conditions:
Dilated cardiomyopathy 1G (CMD1G). Identifiers: Orphanet 154, MedGen C1858763, MONDO:0011400, OMIM 604145.
Autosomal recessive limb-girdle muscular dystrophy type 2J (LGMDR10). Also called: Limb-girdle muscular dystrophy, type 2J; MUSCULAR DYSTROPHY, LIMB-GIRDLE, AUTOSOMAL RECESSIVE 10. Identifiers: Orphanet 140922, MedGen C1837342, MONDO:0012127, OMIM 608807.
TTN-related disorder. Also called: TTN-related disorders; TTN-related condition; TTN-related disease.
Cardiovascular phenotype. Identifiers: MedGen CN230736.

Allele frequency attached by ClinVar (database versions not stated): gnomAD exomes 0.00001 and 0.00003; ExAC 0.00002; gnomAD 0.00003; TOPMed 0.00006.
gnomAD v4.1: 27 of 1,613,216 alleles (0.0017%); highest among the groups gnomAD compares: Admixed American, 0.013%; no homozygotes.

Submissions (5):

CeGaT Center for Human Genetics Tuebingen
Classification: Likely benign. Last evaluated: 2026-09-01. Review status: criteria provided, single submitter. Criteria: CeGaT Center For Human Genetics Tuebingen Variant Classification Criteria Version 2. Collection method: clinical testing. Allele origin: germline. Affected: yes. Observed: 1 variant allele.
Comment: TTN: BP4, BP7

PreventionGenetics, part of Exact Sciences
Classification: Likely benign for TTN-related condition. Last evaluated: 2025-07-11. Review status: criteria provided, single submitter. Criteria: ACMG Guidelines, 2015. Collection method: clinical testing. Allele origin: germline.
Comment: This variant is classified as likely benign based on ACMG/AMP sequence variant interpretation guidelines (Richards et al. 2015 PMID: 25741868, with internal and published modifications).

Labcorp Genetics (formerly Invitae), Labcorp
Classification: Likely benign for Dilated cardiomyopathy 1G; Autosomal recessive limb-girdle muscular dystrophy type 2J. Last evaluated: 2025-05-30. Review status: criteria provided, single submitter. Criteria: Invitae Variant Classification Sherloc (09022015). Collection method: clinical testing. Allele origin: germline.

Ambry Genetics
Classification: Likely benign for Cardiovascular phenotype. Last evaluated: 2020-07-08. Review status: criteria provided, single submitter. Criteria: Ambry Variant Classification Scheme 2023. Collection method: clinical testing. Allele origin: germline.

Molecular Diagnostic Laboratory for Inherited Cardiovascular Disease, Montreal Heart Institute
Classification: Likely benign. Review status: criteria provided, single submitter. Criteria: ACMG Guidelines, 2015. Collection method: clinical testing. Allele origin: germline. Affected: yes.

NM_001267550.2(TTN):c.78117G>A (p.Lys26039=)

Genes: TTN (titin; minus strand), TTN-AS1 (TTN antisense RNA 1; plus strand). Cytogenetic location: 2q31.2.
Variant type: single nucleotide variant.
Coding change: c.78117G>A on transcript NM_001267550.2 (MANE Select); coding-DNA position 78117, G replaced by A.
Protein change: p.Lys26039=; no amino-acid change (lysine 26039 retained).
Molecular consequence: synonymous variant.
Genome position (GRCh38, 1-based): chr2:178,568,015, C>T on the plus strand (G>A on the coding strand, the complement: TTN is on the minus strand). VCF-style: chr2-178568015-C-T. GRCh37 (hg19) VCF-style: chr2-179432742-C-T.
Other names: c.73194G>A, p.Lys24398= (NM_001256850.1); c.50922G>A, p.Lys16974= (NM_003319.4); c.70413G>A, p.Lys23471= (NM_133378.4); c.51297G>A, p.Lys17099= (NM_133432.3); c.51498G>A, p.Lys17166= (NM_133437.4).
Identifiers: ClinVar variation 684788 (VCV000684788.17), dbSNP rs772900049, ClinGen allele CA1989659.